The following is an entry in ClinVar:

NM_006218.4(PIK3CA):c.1638G>T (p.Gln546His)

Gene: PIK3CA (phosphatidylinositol-4,5-bisphosphate 3-kinase catalytic subunit alpha; plus strand). Cytogenetic location: 3q26.32.
Variant type: single nucleotide variant.
Coding change: c.1638G>T on transcript NM_006218.4 (MANE Select); coding-DNA position 1638, G replaced by T.
Protein change: p.Gln546His; replaces glutamine 546 with histidine.
Molecular consequence: missense variant.
Genome position (GRCh38, 1-based): chr3:179,218,308, G>T. VCF-style: chr3-179218308-G-T. GRCh37 (hg19) VCF-style: chr3-178936096-G-T.
Other names: short protein forms Q546H.
Identifiers: ClinVar variation 4530364 (VCV004530364.1), dbSNP rs1057519940.

ClinVar aggregate classification (somatic clinical impact): Tier I - Strong (1 of 4 stars; one submission).

Conditions:
Diffuse pediatric-type high-grade glioma, H3-wildtype and IDH-wildtype. Identifiers: MedGen C5669918, MONDO:0858939.

Submission:

Institute for Genomic Medicine (IGM) Clinical Laboratory, Nationwide Children's Hospital
Classification: Tier I - Strong for Diffuse pediatric-type high-grade glioma, H3-wildtype and IDH-wildtype. Assertion type: diagnostic. Clinical significance: supports diagnosis. Last evaluated: 2023-07-31. Review status: criteria provided, single submitter. Criteria: AMP/ASCO/CAP Guidelines, 2017. Collection method: clinical testing. Allele origin: somatic. Affected: yes.
Comment: Variant has Tier I (strong) clinical significance as a diagnostic inclusion criterion in diffuse pediatric-type high-grade glioma, H3-wildtype and IDH-wildtype, based on the following evidence: 1) Documented in one or more cancer databases (e.g., St. Jude Pecan, COSMIC, CIViC, OncoKB). 2) Appears in one or more well-established professional guidelines (e.g., World Health Organization [WHO]; National Comprehensive Cancer Network [NCCN]) as providing diagnostic, prognostic, or therapeutic information. 3) Information in the literature supports potential biologic effect of variant (PMIDs: 17376864, 26627007). 4) Diagnostic for a specific tumor type/classification based on well-powered studies with expert-level consensus (Evidence Level B; PMIDs: 28966033, 24705251, 29763623, 28912153, 35332262).

Literature cited by the submitters: PubMed 17376864; PubMed 26627007; PubMed 28966033; PubMed 24705251; PubMed 29763623; PubMed 28912153; PubMed 35332262.